The following is an entry in ClinVar:

NM_001433705.1(NLRP5):c.526+313G>T

Gene: NLRP5 (NLR family pyrin domain containing 5; plus strand). Cytogenetic location: 19q13.43.
Variant type: single nucleotide variant.
Coding change: c.526+313G>T on transcript NM_001433705.1 (MANE Select); 313 bases into the intron after coding-DNA position 526, G replaced by T.
Molecular consequence: intron variant.
Genome position (GRCh38, 1-based): chr19:56,020,744, G>T. VCF-style: chr19-56020744-G-T. GRCh37 (hg19) VCF-style: chr19-56532110-G-T.
Other names: NM_153447.4:c.679+313G>T.
Identifiers: ClinVar variation 103301 (VCV000103301.2), dbSNP rs199476225, ClinGen allele CA230386.

ClinVar aggregate classification (germline): not provided (0 of 4 stars; one submission).

Allele frequency attached by ClinVar (database versions not stated): gnomAD 0.02899 and 0.03094; 1000 Genomes Project 30x 0.03810; 1000 Genomes Project 0.03634.
gnomAD v4.1: 4,322 of 150,448 alleles (2.9%); highest among the groups gnomAD compares: African/African-American, 10%; 66 homozygotes.

Submission:

Human Evolutionary Genetics, Institut Pasteur
No classification provided. Review status: no classification provided. Collection method: not provided. Allele origin: germline.
ClinVar note: Converted during submission from untested to not provided.